The following is an entry in ClinVar:

ClinVar aggregate classification (germline): Likely benign. Review status: criteria provided, multiple submitters, no conflicts (2 of 4 stars). 3 submissions from 3 submitters: Likely benign (2). 1 of the submissions does not count toward it. Last evaluated 2025-12-18.

Conditions:
Imerslund-Grasbeck syndrome. Also called: ENTEROCYTE COBALAMIN MALABSORPTION; ENTEROCYTE INTRINSIC FACTOR RECEPTOR, DEFECT OF; Imerslund-Gräsbeck syndrome; PERNICIOUS ANEMIA, JUVENILE, DUE TO SELECTIVE INTESTINAL MALABSORPTION OF VITAMIN B12, WITH PROTEINURIA; Megaloblastic anemia due to inborn errors of metabolism. Identifiers: Orphanet 35858, MedGen C4551825, MONDO:0009853.
Proteinuria, chronic benign. Identifiers: MedGen C5394384, MONDO:0030042, OMIM 618884.
Imerslund-Grasbeck syndrome type 1 (IGS1). Also called: Megaloblastic anemia 1, Finnish type; MEGALOBLASTIC ANEMIA, 1; Imerslund-Gräsbeck syndrome 1. Identifiers: MedGen C4016819, MONDO:0100156, OMIM 261100.
CUBN-related disorder. Also called: CUBN-related condition.

Allele frequency attached by ClinVar (database versions not stated): ExAC 0.00011; 1000 Genomes Project 0.00020; gnomAD 0.00032 and 0.00031; TOPMed 0.00034; ESP Exome Variant Server 0.00069; 1000 Genomes Project 30x 0.00016; gnomAD exomes 0.00003 and 0.00008.
gnomAD v4.1: 93 of 1,614,122 alleles (0.0058%); highest among the groups gnomAD compares: African/African-American, 0.12%; 1 homozygote.

Submissions (3):

Labcorp Genetics (formerly Invitae), Labcorp
Classification: Likely benign for Imerslund-Grasbeck syndrome. Last evaluated: 2025-12-18. Review status: criteria provided, single submitter. Criteria: Invitae Variant Classification Sherloc (09022015). Collection method: clinical testing. Allele origin: germline.

Fulgent Genetics
Classification: Likely benign for Imerslund-Grasbeck syndrome type 1; Proteinuria, chronic benign. Last evaluated: 2021-12-15. Review status: criteria provided, single submitter. Criteria: ACMG Guidelines, 2015. Collection method: clinical testing. Allele origin: unknown.

PreventionGenetics, part of Exact Sciences
Classification: Likely benign for CUBN-related condition. Last evaluated: 2019-03-26. Review status: no assertion criteria provided. Collection method: clinical testing. Allele origin: germline. Not counted in ClinVar's aggregate classification.
Comment: This variant is classified as likely benign based on ACMG/AMP sequence variant interpretation guidelines (Richards et al. 2015 PMID: 25741868, with internal and published modifications).

NM_001081.4(CUBN):c.5424G>T (p.Val1808=)

Gene: CUBN (cubilin; minus strand). Cytogenetic location: 10p13.
Variant type: single nucleotide variant.
Coding change: c.5424G>T on transcript NM_001081.4 (MANE Select); coding-DNA position 5424, G replaced by T.
Protein change: p.Val1808=; no amino-acid change (valine 1808 retained).
Molecular consequence: synonymous variant.
Genome position (GRCh38, 1-based): chr10:16,940,156, C>A on the plus strand (G>T on the coding strand, the complement: CUBN is on the minus strand). VCF-style: chr10-16940156-C-A. GRCh37 (hg19) VCF-style: chr10-16982155-C-A.
Other names: c.5424G>T (NM_001081.3).
Identifiers: ClinVar variation 1140545 (VCV001140545.12), dbSNP rs148649437, ClinGen allele CA5424006.